The following is an entry in ClinVar:

ClinVar aggregate classification (germline): Uncertain significance. Review status: criteria provided, multiple submitters, no conflicts (2 of 4 stars). 7 submissions from 3 submitters: Uncertain significance (7). Last evaluated 2024-01-20.

Conditions:
Encephalopathy due to GLUT1 deficiency. Also called: De Vivo disease; GLUT1 deficiency syndrome 1; GLUCOSE TRANSPORT DEFECT, BLOOD-BRAIN BARRIER; Glucose transporter protein syndrome; GLUT1 deficiency syndrome 1, infantile onset, severe; Classic Glucose Transporter Type 1 Deficiency Syndrome. Identifiers: Orphanet 71277, MedGen C4551966, MONDO:0011724, OMIM 606777.
GLUT1 deficiency syndrome 1, autosomal recessive. Identifiers: MedGen C3149117.
Childhood onset GLUT1 deficiency syndrome 2. Also called: PAROXYSMAL EXERCISE-INDUCED DYSKINESIA WITH OR WITHOUT EPILEPSY AND/OR HEMOLYTIC ANEMIA; PAROXYSMAL EXERTION-INDUCED DYSTONIA WITH OR WITHOUT EPILEPSY AND/OR HEMOLYTIC ANEMIA; PED WITH OR WITHOUT EPILEPSY AND/OR HEMOLYTIC ANEMIA; GLUT1 deficiency syndrome 2; PxMD-SLC2A1; Paroxysmal exercise-induced dystonia. Identifiers: Orphanet 98811, MedGen C1842534, MONDO:0012805, OMIM 612126.
Epilepsy, idiopathic generalized, susceptibility to, 12 (EIG12). Identifiers: MedGen C3553859, MONDO:0013919, OMIM 614847.
Hereditary cryohydrocytosis with reduced stomatin. Also called: GLUT1 DEFICIENCY SYNDROME WITH PSEUDOHYPERKALEMIA AND HEMOLYSIS; Stomatin-deficient cryohydrocytosis with neurologic defects. Identifiers: Orphanet 168577, MedGen C1837206, MONDO:0012143, OMIM 608885.
Dystonia 9 (DYT9). Also called: CHOREOATHETOSIS, KINESIGENIC, WITH EPISODIC ATAXIA AND SPASTICITY. Identifiers: Orphanet 53583, MedGen C1832855, MONDO:0010983, OMIM 601042.

Allele frequency attached by ClinVar (database versions not stated): gnomAD exomes below 0.00001; gnomAD 0.00001; TOPMed 0.00001.
gnomAD v4.1: 4 of 1,613,258 alleles (0.00025%); highest among the groups gnomAD compares: African/African-American, 0.004%; no homozygotes.

Submissions (7):

Labcorp Genetics (formerly Invitae), Labcorp
Classification: Uncertain significance for GLUT1 deficiency syndrome 1, autosomal recessive. Last evaluated: 2024-01-20. Review status: criteria provided, single submitter. Criteria: Invitae Variant Classification Sherloc (09022015). Collection method: clinical testing. Allele origin: germline.
Comment: This sequence change replaces alanine, which is neutral and non-polar, with threonine, which is neutral and polar, at codon 331 of the SLC2A1 protein (p.Ala331Thr). This variant is not present in population databases (gnomAD no frequency). This variant has not been reported in the literature in individuals affected with SLC2A1-related conditions. ClinVar contains an entry for this variant (Variation ID: 951860). Advanced modeling performed at Invitae incorporating data from internal and/or published experimental studies (Invitae) did not meet the statistical confidence thresholds required to predict the impact of this variant on SLC2A1 function. In summary, the available evidence is currently insufficient to determine the role of this variant in disease. Therefore, it has been classified as a Variant of Uncertain Significance.

GeneDx
Classification: Uncertain significance. Last evaluated: 2023-06-26. Review status: criteria provided, single submitter. Criteria: GeneDx Variant Classification Process June 2021. Collection method: clinical testing. Allele origin: germline. Affected: yes.
Comment: Not observed at significant frequency in large population cohorts (gnomAD); In silico analysis supports that this missense variant has a deleterious effect on protein structure/function; Has not been previously published as pathogenic or benign to our knowledge

Genome-Nilou Lab
Classification: Uncertain significance for Epilepsy, idiopathic generalized, susceptibility to, 12. Last evaluated: 2023-04-11. Review status: criteria provided, single submitter. Criteria: ACMG Guidelines, 2015. Collection method: clinical testing. Allele origin: germline. Affected: no.

Genome-Nilou Lab
Classification: Uncertain significance for Dystonia 9. Last evaluated: 2023-04-11. Review status: criteria provided, single submitter. Criteria: ACMG Guidelines, 2015. Collection method: clinical testing. Allele origin: germline. Affected: no.

Genome-Nilou Lab
Classification: Uncertain significance for Encephalopathy due to GLUT1 deficiency. Last evaluated: 2023-04-11. Review status: criteria provided, single submitter. Criteria: ACMG Guidelines, 2015. Collection method: clinical testing. Allele origin: germline. Affected: no.

Genome-Nilou Lab
Classification: Uncertain significance for Childhood onset GLUT1 deficiency syndrome 2. Last evaluated: 2023-04-11. Review status: criteria provided, single submitter. Criteria: ACMG Guidelines, 2015. Collection method: clinical testing. Allele origin: germline. Affected: no.

Genome-Nilou Lab
Classification: Uncertain significance for Hereditary cryohydrocytosis with reduced stomatin. Last evaluated: 2023-04-11. Review status: criteria provided, single submitter. Criteria: ACMG Guidelines, 2015. Collection method: clinical testing. Allele origin: germline. Affected: no.

NM_006516.4(SLC2A1):c.991G>A (p.Ala331Thr)

Gene: SLC2A1 (solute carrier family 2 member 1; minus strand). Cytogenetic location: 1p34.2.
Variant type: single nucleotide variant.
Coding change: c.991G>A on transcript NM_006516.4 (MANE Select); coding-DNA position 991, G replaced by A.
Protein change: p.Ala331Thr; replaces alanine 331 with threonine.
Molecular consequence: missense variant.
Genome position (GRCh38, 1-based): chr1:42,929,015, C>T on the plus strand (G>A on the coding strand, the complement: SLC2A1 is on the minus strand). VCF-style: chr1-42929015-C-T. GRCh37 (hg19) VCF-style: chr1-43394686-C-T.
Other names: short protein forms A331T.
Identifiers: ClinVar variation 951860 (VCV000951860.11), dbSNP rs1040371265, ClinGen allele CA21250211.